The following is an entry in ClinVar:

NM_000075.4(CDK4):c.99C>T (p.Ala33=)

Gene: CDK4 (cyclin dependent kinase 4; minus strand). Cytogenetic location: 12q14.1.
Variant type: single nucleotide variant.
Coding change: c.99C>T on transcript NM_000075.4 (MANE Select); coding-DNA position 99, C replaced by T.
Protein change: p.Ala33=; no amino-acid change (alanine 33 retained).
Molecular consequence: synonymous variant.
Genome position (GRCh38, 1-based): chr12:57,751,619, G>A on the plus strand (C>T on the coding strand, the complement: CDK4 is on the minus strand). VCF-style: chr12-57751619-G-A. GRCh37 (hg19) VCF-style: chr12-58145402-G-A.
Identifiers: ClinVar variation 3378507 (VCV003378507.1).
Genomic context (GRCh38, chr12:57,751,619, plus strand): 5'-TGTGCTGATGGGAAGGCCTCCTCCACCTCCTCCTCCATTGGGGACTCTCACACTCTTGAG[G>A]GCCACAAAGTGGCCACTGTGGGGATCACGGGCCTTGTACACTGTCCCATAGGCACCGACA-3'
Protein context (NP_000066.1, residues 23-43): ARDPHSGHFV[Ala33=]LKSVRVPNGG

ClinVar aggregate classification (germline): Benign (1 of 4 stars; one submission).

Conditions:
Melanoma, cutaneous malignant, susceptibility to, 3. Also called: Cutaneous malignant melanoma 3. Identifiers: Orphanet 618, MedGen C1836892, MONDO:0012183, OMIM 609048.

Submission:

Myriad Genetics, Inc.
Classification: Benign for Melanoma, cutaneous malignant, susceptibility to, 3. Last evaluated: 2024-09-24. Review status: criteria provided, single submitter. Criteria: Myriad Autosomal Dominant, Autosomal Recessive and X-Linked Classification Criteria (2023). Collection method: clinical testing. Allele origin: unknown.
Comment: This variant is considered benign. This variant is a silent/synonymous amino acid change and it is not expected to impact splicing.